The following is an entry in ClinVar:

ClinVar aggregate classification (germline): Uncertain significance (1 of 4 stars; one submission).

Conditions:
Severe combined immunodeficiency due to DNA-PKcs deficiency. Also called: IMMUNODEFICIENCY 26 WITH NEUROLOGIC ABNORMALITIES; Immunodeficiency 26 with or without neurologic abnormalities. Identifiers: Orphanet 317425, MedGen C4014833, MONDO:0014423, OMIM 615966.

gnomAD v4.1: 1 of 1,604,456 alleles (0.000062%); no homozygotes.

Submission:

Labcorp Genetics (formerly Invitae), Labcorp
Classification: Uncertain significance for Severe combined immunodeficiency due to DNA-PKcs deficiency. Last evaluated: 2018-11-19. Review status: criteria provided, single submitter. Criteria: Invitae Variant Classification Sherloc (09022015). Collection method: clinical testing. Allele origin: germline.
Comment: In summary, the available evidence is currently insufficient to determine the role of this variant in disease. Therefore, it has been classified as a Variant of Uncertain Significance. Algorithms developed to predict the effect of missense changes on protein structure and function output the following: SIFT: "Tolerated"; PolyPhen-2: "Benign"; Align-GVGD: "Class C0". The methionine amino acid residue is found in multiple mammalian species, suggesting that this missense change does not adversely affect protein function. These predictions have not been confirmed by published functional studies and their clinical significance is uncertain. This variant has not been reported in the literature in individuals with PRKDC-related disease. This variant is not present in population databases (ExAC no frequency). This sequence change replaces isoleucine with methionine at codon 1307 of the PRKDC protein (p.Ile1307Met). The isoleucine residue is weakly conserved and there is a small physicochemical difference between isoleucine and methionine.

NM_006904.7(PRKDC):c.3921A>G (p.Ile1307Met)

Gene: PRKDC (protein kinase, DNA-activated, catalytic subunit; minus strand). Cytogenetic location: 8q11.21.
Variant type: single nucleotide variant.
Coding change: c.3921A>G on transcript NM_006904.7 (MANE Select); coding-DNA position 3921, A replaced by G.
Protein change: p.Ile1307Met; replaces isoleucine 1307 with methionine.
Molecular consequence: missense variant.
Genome position (GRCh38, 1-based): chr8:47,890,407, T>C on the plus strand (A>G on the coding strand, the complement: PRKDC is on the minus strand). VCF-style: chr8-47890407-T-C. GRCh37 (hg19) VCF-style: chr8-48802968-T-C.
Other names: c.3921A>G, p.Ile1307Met (NM_001081640.2); short protein forms I1307M.
Identifiers: ClinVar variation 642290 (VCV000642290.7), dbSNP rs1589769486, ClinGen allele CA371148883.